The following is an entry in ClinVar:

ClinVar aggregate classification (germline): Conflicting classifications of pathogenicity. Review status: criteria provided, conflicting classifications (1 of 4 stars). 4 submissions from 4 submitters: Uncertain significance (3); Likely benign (1). Last evaluated 2024-11-08.

Conditions:
Developmental delay, hypotonia, musculoskeletal defects, and behavioral abnormalities. Identifiers: MedGen C5562012, MONDO:0859202, OMIM 619595.
Floating-Harbor syndrome (FLHS). Also called: SRCAP-Related Floating-Harbor Syndrome; Short stature with delayed bone age, expressive language delay, a triangular face with a prominent nose and deep-set eyes; Pelletier-Leisti syndrome. Identifiers: Orphanet 2044, MedGen C0729582, MONDO:0007621, OMIM 136140.
Inborn genetic diseases. Identifiers: MedGen C0950123, MeSH D030342.

Allele frequency attached by ClinVar (database versions not stated): ESP Exome Variant Server 0.00008.
gnomAD v4.1: 34 of 1,614,056 alleles (0.0021%); highest among the groups gnomAD compares: Non-Finnish European, 0.0025%; no homozygotes.

Submissions (4):

Women's Health and Genetics/Laboratory Corporation of America, LabCorp
Classification: Uncertain significance. Last evaluated: 2024-11-08. Review status: criteria provided, single submitter. Criteria: LabCorp Variant Classification Summary - May 2015. Collection method: clinical testing. Allele origin: germline.
Comment: Variant summary: SRCAP c.1165C>T (p.Arg389Cys) results in a non-conservative amino acid change in the encoded protein sequence. Four of five in-silico tools predict a benign effect of the variant on protein function. The variant allele was found at a frequency of 1.2e-05 in 251462 control chromosomes. The available data on variant occurrences in the general population are insufficient to allow any conclusion about variant significance. To our knowledge, no occurrence of c.1165C>T in individuals affected with Floating-Harbor Syndrome and no experimental evidence demonstrating its impact on protein function have been reported. ClinVar contains an entry for this variant (Variation ID: 1899935). Based on the evidence outlined above, the variant was classified as uncertain significance.

Ambry Genetics
Classification: Likely benign for Inborn genetic diseases. Last evaluated: 2024-07-14. Review status: criteria provided, single submitter. Criteria: Ambry Variant Classification Scheme 2023. Collection method: clinical testing. Allele origin: germline.

Fulgent Genetics
Classification: Uncertain significance for Floating-Harbor syndrome; Developmental delay, hypotonia, musculoskeletal defects, and behavioral abnormalities. Last evaluated: 2024-02-27. Review status: criteria provided, single submitter. Criteria: ACMG Guidelines, 2015. Collection method: clinical testing. Allele origin: germline.

Labcorp Genetics (formerly Invitae), Labcorp
Classification: Uncertain significance. Last evaluated: 2022-07-29. Review status: criteria provided, single submitter. Criteria: Invitae Variant Classification Sherloc (09022015). Collection method: clinical testing. Allele origin: germline.
Comment: In summary, the available evidence is currently insufficient to determine the role of this variant in disease. Therefore, it has been classified as a Variant of Uncertain Significance. Algorithms developed to predict the effect of missense changes on protein structure and function output the following: SIFT: "Tolerated"; PolyPhen-2: "Not Available"; Align-GVGD: "Class C0". The cysteine amino acid residue is found in multiple mammalian species, which suggests that this missense change does not adversely affect protein function. This variant has not been reported in the literature in individuals affected with SRCAP-related conditions. This variant is present in population databases (rs376370021, gnomAD 0.003%). This sequence change replaces arginine, which is basic and polar, with cysteine, which is neutral and slightly polar, at codon 389 of the SRCAP protein (p.Arg389Cys).

NM_006662.3(SRCAP):c.1165C>T (p.Arg389Cys)

Gene: SRCAP (Snf2 related CREBBP activator protein; plus strand). Cytogenetic location: 16p11.2.
Variant type: single nucleotide variant.
Coding change: c.1165C>T on transcript NM_006662.3 (MANE Select); coding-DNA position 1165, C replaced by T.
Protein change: p.Arg389Cys; replaces arginine 389 with cysteine.
Molecular consequence: missense variant.
Genome position (GRCh38, 1-based): chr16:30,710,784, C>T. VCF-style: chr16-30710784-C-T. GRCh37 (hg19) VCF-style: chr16-30722105-C-T.
Other names: c.1165C>T (NM_006662.2); short protein forms R389C.
Identifiers: ClinVar variation 1899935 (VCV001899935.7), dbSNP rs376370021, ClinGen allele CA8010897.